The following is an entry in ClinVar:

NM_152732.5(RSPH9):c.787G>A (p.Val263Met)

Gene: RSPH9 (radial spoke head component 9; plus strand). Cytogenetic location: 6p21.1.
Variant type: single nucleotide variant.
Coding change: c.787G>A on transcript NM_152732.5 (MANE Select); coding-DNA position 787, G replaced by A.
Protein change: p.Val263Met; replaces valine 263 with methionine.
Molecular consequence: missense variant. On other transcripts: non-coding transcript variant (2).
Genome position (GRCh38, 1-based): chr6:43,670,905, G>A. VCF-style: chr6-43670905-G-A. GRCh37 (hg19) VCF-style: chr6-43638642-G-A.
Other names: c.839G>A, p.Arg280His (NM_001193341.2); c.884G>A, p.Arg295His (NM_001424119.1); c.742G>A, p.Val248Met (NM_001424120.1); short protein forms V263M, R280H, R295H, V248M.
Identifiers: ClinVar variation 908042 (VCV000908042.11), dbSNP rs772227123, ClinGen allele CA3828419.
Genomic context (GRCh38, chr6:43,670,905, plus strand): 5'-CTCTGGCCGGGCCTCACCTTCTACCATGCTCCCCGCACCAAGAACTATGGCTACGTCTAC[G>A]TGGGCACTGGCGAGAAGAACATGGACTTGCCCTTCATGCTATAGAATGGGAGCCAGCCTG-3'
Protein context (NP_689945.2, residues 253-273): PRTKNYGYVY[Val263Met]GTGEKNMDLP

ClinVar aggregate classification (germline): Uncertain significance. Review status: criteria provided, multiple submitters, no conflicts (2 of 4 stars). 3 submissions from 3 submitters: Uncertain significance (3). Last evaluated 2022-07-12.

Conditions:
Primary ciliary dyskinesia. Also called: Ciliary dyskinesia. Identifiers: Orphanet 244, MedGen C0008780, MONDO:0016575, HP:0012265.
Primary ciliary dyskinesia 12. Also called: CILIARY DYSKINESIA, PRIMARY, 12, WITHOUT SITUS INVERSUS. Identifiers: Orphanet 244, MedGen C2675228, MONDO:0012979, OMIM 612650.

Allele frequency attached by ClinVar (database versions not stated): gnomAD exomes 0.00002; TOPMed 0.00002; gnomAD 0.00003; ExAC 0.00004.

Submissions (3):

Labcorp Genetics (formerly Invitae), Labcorp
Classification: Uncertain significance for Primary ciliary dyskinesia. Last evaluated: 2022-07-12. Review status: criteria provided, single submitter. Criteria: Invitae Variant Classification Sherloc (09022015). Collection method: clinical testing. Allele origin: germline.
Comment: In summary, the available evidence is currently insufficient to determine the role of this variant in disease. Therefore, it has been classified as a Variant of Uncertain Significance. Algorithms developed to predict the effect of missense changes on protein structure and function (SIFT, PolyPhen-2, Align-GVGD) all suggest that this variant is likely to be tolerated. ClinVar contains an entry for this variant (Variation ID: 908042). This variant has not been reported in the literature in individuals affected with RSPH9-related conditions. This variant is present in population databases (rs772227123, gnomAD 0.005%). This sequence change replaces valine, which is neutral and non-polar, with methionine, which is neutral and non-polar, at codon 263 of the RSPH9 protein (p.Val263Met).

Ambry Genetics
Classification: Uncertain significance for Primary ciliary dyskinesia. Last evaluated: 2019-03-02. Review status: criteria provided, single submitter. Criteria: Ambry Variant Classification Scheme 2023. Collection method: clinical testing. Allele origin: germline.
Comment: The p.V263M variant (also known as c.787G>A), located in coding exon 5 of the RSPH9 gene, results from a G to A substitution at nucleotide position 787. The valine at codon 263 is replaced by methionine, an amino acid with highly similar properties. This amino acid position is not well conserved in available vertebrate species, and methionine is the reference amino acid in other vertebrate species. In addition, this alteration is predicted to be tolerated by in silico analysis. Since supporting evidence is limited at this time, the clinical significance of this alteration remains unclear.

Illumina Laboratory Services, Illumina
Classification: Uncertain significance for Primary ciliary dyskinesia 12. Last evaluated: 2018-01-13. Review status: criteria provided, single submitter. Criteria: ICSL Variant Classification Criteria 13 December 2019. Collection method: clinical testing. Allele origin: germline.